The following is an entry in ClinVar:

NM_002474.3(MYH11):c.633+1905A>G

Gene: MYH11 (myosin heavy chain 11; minus strand). Cytogenetic location: 16p13.11.
Variant type: single nucleotide variant.
Coding change: c.633+1905A>G on transcript NM_002474.3 (MANE Select); 1905 bases into the intron after coding-DNA position 633, A replaced by G.
Molecular consequence: intron variant.
Genome position (GRCh38, 1-based): chr16:15,784,725, T>C on the plus strand (A>G on the coding strand, the complement: MYH11 is on the minus strand). VCF-style: chr16-15784725-T-C. GRCh37 (hg19) VCF-style: chr16-15878582-T-C.
Other names: c.633+1905A>G (NM_022844.3); c.634-7A>G (NM_001040114.2, NM_001040113.2).
Identifiers: ClinVar variation 2773872 (VCV002773872.4), dbSNP rs761054714, ClinGen allele CA7922887.

ClinVar aggregate classification (germline): Conflicting classifications of pathogenicity. Review status: criteria provided, conflicting classifications (1 of 4 stars). 2 submissions from 2 submitters: Uncertain significance (1); Likely benign (1). Last evaluated 2025-01-23.

Conditions:
Aortic aneurysm, familial thoracic 4 (AAT4). Also called: AORTIC ANEURYSM/AORTIC DISSECTION AND PATENT DUCTUS ARTERIOSUS. Identifiers: MedGen C1851504, MONDO:0007568, OMIM 132900.
Familial thoracic aortic aneurysm and aortic dissection (TAAD). Also called: Thoracic aortic aneurysms and dissections. Identifiers: Orphanet 91387, MedGen C4707243, MONDO:0019625.

Allele frequency attached by ClinVar (database versions not stated): gnomAD exomes below 0.00001; ExAC 0.00001.
gnomAD v4.1: 4 of 1,613,920 alleles (0.00025%); highest among the groups gnomAD compares: East Asian, 0.0045%; no homozygotes.

Submissions (2):

Labcorp Genetics (formerly Invitae), Labcorp
Classification: Likely benign for Aortic aneurysm, familial thoracic 4. Last evaluated: 2025-01-23. Review status: criteria provided, single submitter. Criteria: Invitae Variant Classification Sherloc (09022015). Collection method: clinical testing. Allele origin: germline.

Color Diagnostics, LLC DBA Color Health
Classification: Uncertain significance for Familial thoracic aortic aneurysm and aortic dissection. Last evaluated: 2021-12-15. Review status: criteria provided, single submitter. Criteria: ACMG Guidelines, 2015. Collection method: clinical testing. Allele origin: germline.
Comment: This variant causes an A to G nucleotide substitution at the -7 position of intron 5 of the MYH11 gene. Splice site prediction tools predict that this variant may have a significant impact on RNA splicing. To our knowledge, functional studies have not been reported for this variant. This variant has not been reported in individuals affected with cardiovascular disorders in the literature. This variant has been identified in 1/249028 chromosomes in the general population by the Genome Aggregation Database (gnomAD). The available evidence is insufficient to determine the role of this variant in disease conclusively. Therefore, this variant is classified as a Variant of Uncertain Significance.